The following is an entry in ClinVar:

NM_007294.4(BRCA1):c.-16A>G

Gene: BRCA1 (BRCA1 DNA repair associated; minus strand). Cytogenetic location: 17q21.31.
Variant type: single nucleotide variant.
Coding change: c.-16A>G on transcript NM_007294.4 (MANE Select); 16 bases upstream of the start codon, A replaced by G.
Molecular consequence: 5 prime UTR variant. On other transcripts: non-coding transcript variant (1).
Genome position (GRCh38, 1-based): chr17:43,124,112, T>C on the plus strand (A>G on the coding strand, the complement: BRCA1 is on the minus strand). VCF-style: chr17-43124112-T-C. GRCh37 (hg19) VCF-style: chr17-41276129-T-C.
Other names: c.-204A>G (NM_001407571.1, NM_001407853.1, NM_001407879.1 and 42 more transcripts); c.-16A>G (NM_001407581.1, NM_001407582.1, NM_001407583.1 and 169 more transcripts); c.-273A>G (NM_001407694.1, NM_001407724.1, NM_001407727.1 and 11 more transcripts); c.-277A>G (NM_001407695.1, NM_001408465.1); c.-418A>G (NM_001407696.1); c.-302A>G (NM_001407697.1, NM_001407846.1, NM_001407920.1); c.-103A>G (NM_001407698.1, NM_001407732.1, NM_001407736.1 and 21 more transcripts); c.-276A>G (NM_001407725.1, NM_001407730.1, NM_001407734.1 and 22 more transcripts); and 8 more.
Identifiers: ClinVar variation 380340 (VCV000380340.24), dbSNP rs777262055, ClinGen allele CA053947.

ClinVar aggregate classification (germline): Conflicting classifications of pathogenicity. Review status: criteria provided, conflicting classifications (1 of 4 stars). 5 submissions from 5 submitters: Uncertain significance (2); Likely benign (3). Last evaluated 2026-04-15.

Conditions:
Inherited ovarian cancer (without breast cancer).
Hereditary cancer-predisposing syndrome. Also called: Neoplastic Syndromes, Hereditary; Hereditary neoplastic syndrome; Hereditary Cancer Syndrome; Tumor predisposition. Identifiers: Orphanet 140162, MedGen C0027672, MeSH D009386, MONDO:0015356.
Hereditary breast ovarian cancer syndrome. Also called: Hereditary breast and ovarian cancer syndrome; Breast and ovarian cancer; Hereditary breast and ovarian cancer syndrome (HBOC); Hereditary breast and/or ovarian cancer syndrome; BRCA1- and BRCA2-Associated Hereditary Breast and Ovarian Cancer; Hereditary breast and ovarian cancer. Identifiers: Orphanet 145, MedGen C0677776, MeSH D061325, MONDO:0003582. Disease mechanism: loss of function.

Allele frequency attached by ClinVar (database versions not stated): gnomAD exomes 0.00001; ExAC 0.00002; gnomAD 0.00004; TOPMed 0.00004.
gnomAD v4.1: 33 of 1,595,374 alleles (0.0021%); highest among the groups gnomAD compares: African/African-American, 0.011%; no homozygotes.

Submissions (6):

Genomics and Molecular Medicine Service, East Genomic Laboratory Hub, NHS Genomic Medicine Service
Classification: Uncertain significance for Inherited ovarian cancer (without breast cancer). Last evaluated: 2026-04-15. Review status: criteria provided, single submitter. Criteria: ACGS Best Practice Guidelines for Variant Classification in Rare Disease 2020. Collection method: clinical testing. Allele origin: germline. Affected: yes.
Comment: BS3_Strong

Labcorp Genetics (formerly Invitae), Labcorp
Classification: Likely benign for Hereditary breast ovarian cancer syndrome. Last evaluated: 2026-01-28. Review status: criteria provided, single submitter. Criteria: Invitae Variant Classification Sherloc (09022015). Collection method: clinical testing. Allele origin: germline.

Women's Health and Genetics/Laboratory Corporation of America, LabCorp
Classification: Likely benign. Last evaluated: 2025-07-03. Review status: criteria provided, single submitter. Criteria: LabCorp Variant Classification Summary - May 2015. Collection method: clinical testing. Allele origin: germline.
Comment: Variant summary: BRCA1 c.-16A>G is located in the untranslated mRNA region upstream of the initiation codon. The variant allele was found at a frequency of 1.2e-05 in 250290 control chromosomes (gnomAD). The available data on variant occurrences in the general population are insufficient to allow any conclusion about variant significance. c.-16A>G has been observed in individuals affected with Breast Cancer (e.g. Burke_2018, Uyisenga_2020). These reports do not provide unequivocal conclusions about association of the variant with Hereditary Breast And Ovarian Cancer Syndrome. At least one publication reports experimental evidence evaluating an impact on protein function. These results showed no damaging effect of this variant on homology directed repair (HDR) activity (e.g. Findlay_2018). HDR assays qualify as a recognized gold standard on the basis of updated guidance provided by the ClinGen Sequence Variant Interpretation (SVI) working group. The following publications have been ascertained in the context of this evaluation (PMID: 31871109, 30204945, 30209399, 32959997). ClinVar contains an entry for this variant (Variation ID: 380340). Based on the evidence outlined above, the variant was classified as likely benign.

Color Diagnostics, LLC DBA Color Health
Classification: Uncertain significance for Hereditary cancer-predisposing syndrome. Last evaluated: 2019-05-16. Review status: criteria provided, single submitter. Criteria: ACMG Guidelines, 2015. Collection method: clinical testing. Allele origin: germline.

GeneDx
Classification: Likely benign. Last evaluated: 2016-06-29. Review status: criteria provided, single submitter. Criteria: GeneDx Variant Classification (06012015). Collection method: clinical testing. Allele origin: germline. Affected: yes.
Comment: This variant is considered likely benign or benign based on one or more of the following criteria: it is a conservative change, it occurs at a poorly conserved position in the protein, it is predicted to be benign by multiple in silico algorithms, and/or has population frequency not consistent with disease.

Brotman Baty Institute, University of Washington
No classification provided (evidence only). Condition: Breast-ovarian cancer, familial 1. Review status: no classification provided. Collection method: in vitro. Allele origin: not applicable. Functional consequence: functionally_normal. Not counted in ClinVar's aggregate classification.
ClinVar note: "not provided" was previously submitted as the classification for the variant. However, the classification appeared to be based only on an observation of functional data so it was converted to no classification on 2025-07-30.

Literature cited by the submitters: PubMed 30209399 (cited by Women's Health and Genetics/Laboratory Corporation of America, LabCorp); PubMed 31871109 (cited by Women's Health and Genetics/Laboratory Corporation of America, LabCorp); PubMed 30204945 (cited by Women's Health and Genetics/Laboratory Corporation of America, LabCorp); PubMed 32959997 (cited by Women's Health and Genetics/Laboratory Corporation of America, LabCorp).